The following is an entry in ClinVar:

ClinVar aggregate classification (germline): Likely benign (1 of 4 stars; one submission).

Allele frequency attached by ClinVar (database versions not stated): gnomAD 0.00001; gnomAD exomes 0.00001; TOPMed 0.00001.

Submission:

GeneDx
Classification: Likely benign. Last evaluated: 2016-08-01. Review status: criteria provided, single submitter. Criteria: GeneDx Variant Classification (06012015). Collection method: clinical testing. Allele origin: germline. Affected: yes.
Comment: This variant is considered likely benign or benign based on one or more of the following criteria: it is a conservative change, it occurs at a poorly conserved position in the protein, it is predicted to be benign by multiple in silico algorithms, and/or has population frequency not consistent with disease.

NM_007194.4(CHEK2):c.*19G>A

Gene: CHEK2 (checkpoint kinase 2; minus strand). Cytogenetic location: 22q12.1.
Variant type: single nucleotide variant.
Coding change: c.*19G>A on transcript NM_007194.4 (MANE Select); 19 bases downstream of the stop codon, G replaced by A.
Molecular consequence: 3 prime UTR variant.
Genome position (GRCh38, 1-based): chr22:28,687,878, C>T on the plus strand (G>A on the coding strand, the complement: CHEK2 is on the minus strand). VCF-style: chr22-28687878-C-T. GRCh37 (hg19) VCF-style: chr22-29083866-C-T.
Other names: c.*19G>A (NM_001005735.3, NM_001257387.3, NM_001349956.3 and 1 more transcripts).
Identifiers: ClinVar variation 388285 (VCV000388285.1), dbSNP rs1057523052, ClinGen allele CA16608590.